The following is an entry in ClinVar:

NC_000023.10:g.(31838201_31854834)_(31893491_31947712)dup

Gene: DMD (dystrophin; minus strand). Cytogenetic location: Xp21.1.
Variant type: Duplication.
Identifiers: ClinVar variation 1723436 (VCV001723436.2).

ClinVar aggregate classification (germline): Likely pathogenic (1 of 4 stars; one submission).

Conditions:
Neuromuscular disease caused by qualitative or quantitative defects of dystrophin. Also called: Qualitative or quantitative defects of dystrophin. Identifiers: Orphanet 207085, MedGen C5679787, MONDO:0016147.

Submission:

Women's Health and Genetics/Laboratory Corporation of America, LabCorp
Classification: Likely pathogenic for Neuromuscular disease caused by qualitative or quantitative defects of dystrophin. Last evaluated: 2025-02-07. Review status: criteria provided, single submitter. Criteria: LabCorp Variant Classification Summary - May 2015. Collection method: clinical testing. Allele origin: germline.
Comment: Variant summary: The variant involves the duplication of exons 48-49 in the DMD gene. A presumed nomenclature of c.(6912+1_6913-1)_(7200+1_7201-1)dup has been designated for the purposes of this classification. It is assumed to be a tandem duplication in direct orientation (PMIDs: 25640679, 30054569). This Copy Number Variant (CNV) is predicted to result in an in-frame duplication within this gene. The variant was absent in 16120 control chromosomes (gnomAD, Structural Variants dataset). The available data on variant occurrences in the general population are insufficient to allow any conclusion about variant significance. Exons 48-49 duplication has been reported in the literature in individuals affected with Dystrophinopathies (example: Saillour_2008, Tuffery-Giraud_2009, UMD-DMD) and has been reported in LOVD as pathogenic by multiple submitters (Taylor_2007). These data indicate that the variant is likely to be associated with disease. To our knowledge, no experimental evidence demonstrating an impact on protein function has been reported. The following publications have been ascertained in the context of this evaluation (PMID: 18683213, 19367636, 17259292). ClinVar contains an entry for this variant (Variation ID: 1523814). Based on the evidence outlined above, the variant was classified as likely pathogenic.

Literature cited by the submitters: PubMed 19367636; PubMed 18683213; PubMed 17259292.